The following is an entry in ClinVar:

ClinVar aggregate classification (germline): Uncertain significance. Review status: criteria provided, multiple submitters, no conflicts (2 of 4 stars). 2 submissions from 2 submitters: Uncertain significance (2). Last evaluated 2025-11-13.

gnomAD v4.1: 49 of 1,613,128 alleles (0.003%); highest among the groups gnomAD compares: Admixed American, 0.012%; no homozygotes.

Submissions (2):

Labcorp Genetics (formerly Invitae), Labcorp
Classification: Uncertain significance. Last evaluated: 2025-11-13. Review status: criteria provided, single submitter. Criteria: Invitae Variant Classification Sherloc (09022015). Collection method: clinical testing. Allele origin: germline.
Comment: This sequence change replaces serine, which is neutral and polar, with phenylalanine, which is neutral and non-polar, at codon 492 of the ZDBF2 protein (p.Ser492Phe). This variant is present in population databases (rs763841319, gnomAD 0.009%). This variant has not been reported in the literature in individuals affected with ZDBF2-related conditions. ClinVar contains an entry for this variant (Variation ID: 3192594). An algorithm developed to predict the effect of missense changes on protein structure and function (PolyPhen-2) suggests that this variant is likely to be disruptive. In summary, the available evidence is currently insufficient to determine the role of this variant in disease. Therefore, it has been classified as a Variant of Uncertain Significance.

Ambry Genetics
Classification: Uncertain significance. Last evaluated: 2023-12-18. Review status: criteria provided, single submitter. Criteria: Ambry Variant Classification Scheme 2023. Collection method: clinical testing. Allele origin: germline.

NM_020923.3(ZDBF2):c.1475C>T (p.Ser492Phe)

Gene: ZDBF2 (zinc finger DBF-type containing 2; plus strand). Cytogenetic location: 2q33.3.
Variant type: single nucleotide variant.
Coding change: c.1475C>T on transcript NM_020923.3 (MANE Select); coding-DNA position 1475, C replaced by T.
Protein change: p.Ser492Phe; replaces serine 492 with phenylalanine.
Molecular consequence: missense variant.
Genome position (GRCh38, 1-based): chr2:206,306,003, C>T. VCF-style: chr2-206306003-C-T. GRCh37 (hg19) VCF-style: chr2-207170727-C-T.
Other names: c.1469C>T, p.Ser490Phe (NM_001285549.2); c.1475C>T, p.Ser492Phe (NM_001369654.1); short protein forms S490F, S492F.
Identifiers: ClinVar variation 3192594 (VCV003192594.2), dbSNP rs763841319, ClinGen allele CA2071863.